The following is an entry in ClinVar:

NM_005477.3(HCN4):c.1623C>A (p.His541Gln)

Gene: HCN4 (hyperpolarization activated cyclic nucleotide gated potassium channel 4; minus strand). Cytogenetic location: 15q24.1.
Variant type: single nucleotide variant.
Coding change: c.1623C>A on transcript NM_005477.3 (MANE Select); coding-DNA position 1623, C replaced by A.
Protein change: p.His541Gln; replaces histidine 541 with glutamine.
Molecular consequence: missense variant.
Genome position (GRCh38, 1-based): chr15:73,325,412, G>T on the plus strand (C>A on the coding strand, the complement: HCN4 is on the minus strand). VCF-style: chr15-73325412-G-T. GRCh37 (hg19) VCF-style: chr15-73617753-G-T.
Other names: short protein forms H541Q.
Identifiers: ClinVar variation 1776642 (VCV001776642.2), dbSNP rs762870407, ClinGen allele CA7649248.

ClinVar aggregate classification (germline): Uncertain significance (1 of 4 stars; one submission).

Conditions:
Cardiovascular phenotype. Identifiers: MedGen CN230736.

Allele frequency attached by ClinVar (database versions not stated): gnomAD exomes below 0.00001; ExAC 0.00001.
gnomAD v4.1: 1 of 1,614,158 alleles (0.000062%); highest among the groups gnomAD compares: South Asian, 0.0011%; no homozygotes.

Submission:

Ambry Genetics
Classification: Uncertain significance for Cardiovascular phenotype. Last evaluated: 2022-08-29. Review status: criteria provided, single submitter. Criteria: Ambry Variant Classification Scheme 2023. Collection method: clinical testing. Allele origin: germline.
Comment: The p.H541Q variant (also known as c.1623C>A), located in coding exon 5 of the HCN4 gene, results from a C to A substitution at nucleotide position 1623. The histidine at codon 541 is replaced by glutamine, an amino acid with highly similar properties. This amino acid position is conserved. In addition, this alteration is predicted to be deleterious by in silico analysis. Since supporting evidence is limited at this time, the clinical significance of this alteration remains unclear.